The following is an entry in ClinVar:

NM_018451.5(CPAP):c.2470A>T (p.Thr824Ser)

Gene: CPAP (centrosome assembly and centriole elongation protein; minus strand). Cytogenetic location: 13q12.13.
Variant type: single nucleotide variant.
Coding change: c.2470A>T on transcript NM_018451.5 (MANE Select); coding-DNA position 2470, A replaced by T.
Protein change: p.Thr824Ser; replaces threonine 824 with serine.
Molecular consequence: missense variant. On other transcripts: non-coding transcript variant (2).
Genome position (GRCh38, 1-based): chr13:24,905,568, T>A on the plus strand (A>T on the coding strand, the complement: CPAP is on the minus strand). VCF-style: chr13-24905568-T-A. GRCh37 (hg19) VCF-style: chr13-25479706-T-A.
Other names: short protein forms T824S.
Identifiers: ClinVar variation 158202 (VCV000158202.14), dbSNP rs149885751, ClinGen allele CA271259.

ClinVar aggregate classification (germline): Uncertain significance. Review status: criteria provided, multiple submitters, no conflicts (2 of 4 stars). 4 submissions from 4 submitters: Uncertain significance (4). Last evaluated 2021-12-30.

Conditions:
Microcephaly 6, primary, autosomal recessive. Identifiers: Orphanet 2512, MedGen C1842109, MONDO:0012029, OMIM 608393.

Allele frequency attached by ClinVar (database versions not stated): gnomAD exomes 0.00002 and 0.00005; ExAC 0.00008; ESP Exome Variant Server 0.00015; gnomAD 0.00025 and 0.00029; TOPMed 0.00029; 1000 Genomes Project 30x 0.00062; 1000 Genomes Project 0.00080.
gnomAD v4.1: 77 of 1,614,220 alleles (0.0048%); highest among the groups gnomAD compares: African/African-American, 0.096%; no homozygotes.

Submissions (4):

Labcorp Genetics (formerly Invitae), Labcorp
Classification: Uncertain significance. Last evaluated: 2021-12-30. Review status: criteria provided, single submitter. Criteria: Invitae Variant Classification Sherloc (09022015). Collection method: clinical testing. Allele origin: germline.
Comment: In summary, the available evidence is currently insufficient to determine the role of this variant in disease. Therefore, it has been classified as a Variant of Uncertain Significance. Algorithms developed to predict the effect of missense changes on protein structure and function (SIFT, PolyPhen-2, Align-GVGD) all suggest that this variant is likely to be tolerated. ClinVar contains an entry for this variant (Variation ID: 158202). This variant has not been reported in the literature in individuals affected with CENPJ-related conditions. This variant is present in population databases (rs149885751, gnomAD 0.07%). This sequence change replaces threonine, which is neutral and polar, with serine, which is neutral and polar, at codon 824 of the CENPJ protein (p.Thr824Ser).

Blueprint Genetics
Classification: Uncertain significance. Last evaluated: 2017-11-20. Review status: criteria provided, single submitter. Criteria: ACMG Guidelines, 2015. Collection method: clinical testing. Allele origin: germline.

Eurofins Ntd Llc (ga)
Classification: Uncertain significance. Last evaluated: 2016-06-02. Review status: criteria provided, single submitter. Criteria: EGL Classification Definitions 2015. Collection method: clinical testing. Allele origin: germline. Observed: 1 variant allele, 1 heterozygote.

Genetic Services Laboratory, University of Chicago
Classification: Uncertain significance for Microcephaly 6, primary, autosomal recessive. Last evaluated: 2012-10-31. Review status: criteria provided, single submitter. Criteria: ACMG Guidelines, 2007. Collection method: clinical testing. Allele origin: germline. Inheritance: Autosomal recessive inheritance.